The following is an entry in ClinVar:

ClinVar aggregate classification (germline): Uncertain significance (1 of 4 stars; one submission).

Submission:

Labcorp Genetics (formerly Invitae), Labcorp
Classification: Uncertain significance. Last evaluated: 2025-07-13. Review status: criteria provided, single submitter. Criteria: Invitae Variant Classification Sherloc (09022015). Collection method: clinical testing. Allele origin: germline.
Comment: This sequence change creates a premature translational stop signal (p.Ser1577Ilefs*19) in the TET2 gene. While this is not anticipated to result in nonsense mediated decay, it is expected to disrupt the last 426 amino acid(s) of the TET2 protein. This variant is not present in population databases (gnomAD no frequency). This variant has not been reported in the literature in individuals affected with TET2-related conditions. Experimental studies and prediction algorithms are not available or were not evaluated, and the functional significance of this variant is currently unknown. In summary, the available evidence is currently insufficient to determine the role of this variant in disease. Therefore, it has been classified as a Variant of Uncertain Significance.

NM_001127208.3(TET2):c.4730del (p.Ser1577fs)

Genes: TET2 (tet methylcytosine dioxygenase 2; plus strand), TET2-AS1 (TET2 antisense RNA 1; minus strand). Cytogenetic location: 4q24.
Variant type: Deletion.
Coding change: c.4730del on transcript NM_001127208.3 (MANE Select); coding-DNA position 4730, one base deleted (G; older notation c.4730delG).
Protein change: p.Ser1577fs; shifts the reading frame from serine 1577.
Molecular consequence: frameshift variant.
Genome position (GRCh38, 1-based): chr4:105,275,240, G deleted. VCF-style (leftmost placement, unchanged base first): chr4-105275239-AG-A. GRCh37 (hg19) VCF-style: chr4-106196396-AG-A.
Other names: short protein forms S1577fs.
Identifiers: ClinVar variation 4723155 (VCV004723155.1).
Genomic context (GRCh38, chr4:105,275,239, plus strand): 5'-GTCAACTCTTATTCTGCTTCTGGATCCACCAATCCATACATGAGACGGCCCAATCCAGTT[AG>A]TCCTTATCCAAACTCTTCACACACTTCAGATATCTATGGAAGCACCAGCCCTATGAACTT-3'